The following is an entry in ClinVar:

ClinVar aggregate classification (germline): Uncertain significance (1 of 4 stars; one submission).

Conditions:
Peroxisome biogenesis disorder 5A (Zellweger) (PBD5A). Identifiers: Orphanet 912, MedGen C3553940, MONDO:0013932, OMIM 614866.

Submission:

Labcorp Genetics (formerly Invitae), Labcorp
Classification: Uncertain significance for Peroxisome biogenesis disorder 5A (Zellweger). Last evaluated: 2022-01-05. Review status: criteria provided, single submitter. Criteria: Invitae Variant Classification Sherloc (09022015). Collection method: clinical testing. Allele origin: germline.
Comment: This sequence change replaces aspartic acid, which is acidic and polar, with glycine, which is neutral and non-polar, at codon 88 of the PEX2 protein (p.Asp88Gly). This variant is not present in population databases (gnomAD no frequency). In summary, the available evidence is currently insufficient to determine the role of this variant in disease. Therefore, it has been classified as a Variant of Uncertain Significance. Algorithms developed to predict the effect of missense changes on protein structure and function (SIFT, PolyPhen-2, Align-GVGD) all suggest that this variant is likely to be tolerated. This variant has not been reported in the literature in individuals affected with PEX2-related conditions.

NM_000318.3(PEX2):c.263A>G (p.Asp88Gly)

Gene: PEX2 (peroxisomal biogenesis factor 2; minus strand). Cytogenetic location: 8q21.13.
Variant type: single nucleotide variant.
Coding change: c.263A>G on transcript NM_000318.3 (MANE Select); coding-DNA position 263, A replaced by G.
Protein change: p.Asp88Gly; replaces aspartic acid 88 with glycine.
Molecular consequence: missense variant.
Genome position (GRCh38, 1-based): chr8:76,983,916, T>C on the plus strand (A>G on the coding strand, the complement: PEX2 is on the minus strand). VCF-style: chr8-76983916-T-C. GRCh37 (hg19) VCF-style: chr8-77896152-T-C.
Other names: c.263A>G, p.Asp88Gly (NM_001079867.2, NM_001172086.2, NM_001172087.2); short protein forms D88G.
Identifiers: ClinVar variation 2048799 (VCV002048799.4), dbSNP rs1048011804, ClinGen allele CA371557733.
Genomic context (GRCh38, chr8:76,983,916, plus strand): 5'-ACAGCATACCAGATTTTTTGATTTTTACTGGGTGGCTGATATCTCAGGTTAGGGGAAAAA[T>C]CATTTTTGTACTTAATATTCAAAACTGACTGTCCCACTGTGGCATTTTTGGAGTAGATGG-3'
Protein context (NP_000309.2, residues 78-98): QSVLNIKYKN[Asp88Gly]FSPNLRYQPP